The following is an entry in ClinVar:

ClinVar aggregate classification (germline): Conflicting classifications of pathogenicity. Review status: criteria provided, conflicting classifications (1 of 4 stars). 2 submissions from 2 submitters: Uncertain significance (1); Likely benign (1). Last evaluated 2024-11-18.

Allele frequency attached by ClinVar (database versions not stated): TOPMed 0.00008; ExAC 0.00012; gnomAD 0.00012; gnomAD exomes 0.00014 and 0.00018; ESP Exome Variant Server 0.00015.
gnomAD v4.1: 273 of 1,612,986 alleles (0.017%); highest among the groups gnomAD compares: Non-Finnish European, 0.02%; no homozygotes.

Submissions (2):

Blueprint Genetics
Classification: Likely benign. Last evaluated: 2024-11-18. Review status: criteria provided, single submitter. Criteria: ACMG Guidelines, 2015. Collection method: clinical testing. Allele origin: germline.

Labcorp Genetics (formerly Invitae), Labcorp
Classification: Uncertain significance. Last evaluated: 2024-08-31. Review status: criteria provided, single submitter. Criteria: Invitae Variant Classification Sherloc (09022015). Collection method: clinical testing. Allele origin: germline.
Comment: This sequence change replaces isoleucine, which is neutral and non-polar, with valine, which is neutral and non-polar, at codon 862 of the CASZ1 protein (p.Ile862Val). This variant is present in population databases (rs376938036, gnomAD 0.04%). This variant has not been reported in the literature in individuals affected with CASZ1-related conditions. ClinVar contains an entry for this variant (Variation ID: 1381675). An algorithm developed to predict the effect of missense changes on protein structure and function (PolyPhen-2) suggests that this variant is likely to be tolerated. In summary, the available evidence is currently insufficient to determine the role of this variant in disease. Therefore, it has been classified as a Variant of Uncertain Significance.

NM_001079843.3(CASZ1):c.2584A>G (p.Ile862Val)

Gene: CASZ1 (castor zinc finger 1; minus strand). Cytogenetic location: 1p36.22.
Variant type: single nucleotide variant.
Coding change: c.2584A>G on transcript NM_001079843.3 (MANE Select); coding-DNA position 2584, A replaced by G.
Protein change: p.Ile862Val; replaces isoleucine 862 with valine.
Molecular consequence: missense variant.
Genome position (GRCh38, 1-based): chr1:10,653,473, T>C on the plus strand (A>G on the coding strand, the complement: CASZ1 is on the minus strand). VCF-style: chr1-10653473-T-C. GRCh37 (hg19) VCF-style: chr1-10713530-T-C.
Other names: c.2584A>G, p.Ile862Val (NM_017766.5); short protein forms I862V.
Identifiers: ClinVar variation 1381675 (VCV001381675.7), dbSNP rs376938036, ClinGen allele CA584833.